The following is an entry in ClinVar:

NM_002470.4(MYH3):c.373A>G (p.Thr125Ala)

Gene: MYH3 (myosin heavy chain 3; minus strand). Cytogenetic location: 17p13.1.
Variant type: single nucleotide variant.
Coding change: c.373A>G on transcript NM_002470.4 (MANE Select); coding-DNA position 373, A replaced by G.
Protein change: p.Thr125Ala; replaces threonine 125 with alanine.
Molecular consequence: missense variant.
Genome position (GRCh38, 1-based): chr17:10,651,644, T>C on the plus strand (A>G on the coding strand, the complement: MYH3 is on the minus strand). VCF-style: chr17-10651644-T-C. GRCh37 (hg19) VCF-style: chr17-10554961-T-C.
Other names: short protein forms T125A.
Identifiers: ClinVar variation 4800684 (VCV004800684.1).

ClinVar aggregate classification (germline): Uncertain significance (1 of 4 stars; one submission).

gnomAD v4.1: 1 of 1,613,864 alleles (0.000062%); highest among the groups gnomAD compares: Non-Finnish European, 0.000085%; no homozygotes.

Submission:

Labcorp Genetics (formerly Invitae), Labcorp
Classification: Uncertain significance. Last evaluated: 2025-03-01. Review status: criteria provided, single submitter. Criteria: Invitae Variant Classification Sherloc (09022015). Collection method: clinical testing. Allele origin: germline.
Comment: This sequence change replaces threonine, which is neutral and polar, with alanine, which is neutral and non-polar, at codon 125 of the MYH3 protein (p.Thr125Ala). This variant is not present in population databases (gnomAD no frequency). This variant has not been reported in the literature in individuals affected with MYH3-related conditions. Invitae Evidence Modeling of protein sequence and biophysical properties (such as structural, functional, and spatial information, amino acid conservation, physicochemical variation, residue mobility, and thermodynamic stability) indicates that this missense variant is not expected to disrupt MYH3 protein function with a negative predictive value of 95%. In summary, the available evidence is currently insufficient to determine the role of this variant in disease. Therefore, it has been classified as a Variant of Uncertain Significance.